The following is an entry in ClinVar:

ClinVar aggregate classification (germline): Uncertain significance (1 of 4 stars; one submission).

Allele frequency attached by ClinVar (database versions not stated): gnomAD exomes below 0.00001 and 0.00001; gnomAD 0.00001; ExAC 0.00002; 1000 Genomes Project 30x 0.00016.

Submission:

Labcorp Genetics (formerly Invitae), Labcorp
Classification: Uncertain significance. Last evaluated: 2021-09-03. Review status: criteria provided, single submitter. Criteria: Invitae Variant Classification Sherloc (09022015). Collection method: clinical testing. Allele origin: germline.
Comment: This sequence change replaces arginine with histidine at codon 486 of the TUBGCP4 protein (p.Arg486His). The arginine residue is highly conserved and there is a small physicochemical difference between arginine and histidine. In summary, the available evidence is currently insufficient to determine the role of this variant in disease. Therefore, it has been classified as a Variant of Uncertain Significance. Algorithms developed to predict the effect of missense changes on protein structure and function are either unavailable or do not agree on the potential impact of this missense change (SIFT: "Deleterious"; PolyPhen-2: "Probably Damaging"; Align-GVGD: "Class C0"). This variant has not been reported in the literature in individuals affected with TUBGCP4-related conditions. This variant is present in population databases (rs762364665, ExAC 0.009%).

NM_014444.5(TUBGCP4):c.1454G>A (p.Arg485His)

Gene: TUBGCP4 (tubulin gamma complex component 4; plus strand). Cytogenetic location: 15q15.3.
Variant type: single nucleotide variant.
Coding change: c.1454G>A on transcript NM_014444.5 (MANE Select); coding-DNA position 1454, G replaced by A.
Protein change: p.Arg485His; replaces arginine 485 with histidine.
Molecular consequence: missense variant.
Genome position (GRCh38, 1-based): chr15:43,400,079, G>A. VCF-style: chr15-43400079-G-A. GRCh37 (hg19) VCF-style: chr15-43692277-G-A.
Other names: c.1457G>A, p.Arg486His (NM_001286414.3); short protein forms R486H, R485H.
Identifiers: ClinVar variation 1516975 (VCV001516975.6), dbSNP rs762364665, ClinGen allele CA7524098.